The following is an entry in ClinVar:

ClinVar aggregate classification (germline): Uncertain significance (1 of 4 stars; one submission).

Conditions:
Epidermolysis bullosa simplex 3, localized or generalized intermediate, with BP230 deficiency (EBS3). Also called: Epidermolysis bullosa simplex due to BP230 deficiency; Epidermolysis bullosa simplex, autosomal recessive 2. Identifiers: Orphanet 412181, MedGen C3809470, MONDO:0014180, OMIM 615425.
Hereditary sensory and autonomic neuropathy type 6. Also called: Neuropathy, hereditary sensory and autonomic, type VI; HSAN VI. Identifiers: Orphanet 314381, MedGen C3539003, MONDO:0013839, OMIM 614653.

Allele frequency attached by ClinVar (database versions not stated): gnomAD 0.00001; TOPMed 0.00001; ExAC 0.00002; gnomAD exomes 0.00002.
gnomAD v4.1: 33 of 1,613,536 alleles (0.002%); highest among the groups gnomAD compares: South Asian, 0.0066%; no homozygotes.

Submission:

Labcorp Genetics (formerly Invitae), Labcorp
Classification: Uncertain significance for Epidermolysis bullosa simplex 3, localized or generalized intermediate, with BP230 deficiency; Hereditary sensory and autonomic neuropathy type 6. Last evaluated: 2026-01-10. Review status: criteria provided, single submitter. Criteria: Invitae Variant Classification Sherloc (09022015). Collection method: clinical testing. Allele origin: germline.
Comment: This sequence change replaces arginine, which is basic and polar, with glutamine, which is neutral and polar, at codon 927 of the DST protein (p.Arg927Gln). This variant is present in population databases (rs768643432, gnomAD 0.01%). This variant has not been reported in the literature in individuals affected with DST-related conditions. ClinVar contains an entry for this variant (Variation ID: 859471). An algorithm developed to predict the effect of missense changes on protein structure and function (PolyPhen-2) suggests that this variant is likely to be disruptive. In summary, the available evidence is currently insufficient to determine the role of this variant in disease. Therefore, it has been classified as a Variant of Uncertain Significance.

NM_001374736.1(DST):c.4391G>A (p.Arg1464Gln)

Gene: DST (dystonin; minus strand). Cytogenetic location: 6p12.1.
Variant type: single nucleotide variant.
Coding change: c.4391G>A on transcript NM_001374736.1 (MANE Select); coding-DNA position 4391, G replaced by A.
Protein change: p.Arg1464Gln; replaces arginine 1464 with glutamine.
Molecular consequence: missense variant.
Genome position (GRCh38, 1-based): chr6:56,629,334, C>T on the plus strand (G>A on the coding strand, the complement: DST is on the minus strand). VCF-style: chr6-56629334-C-T. GRCh37 (hg19) VCF-style: chr6-56494132-C-T.
Other names: c.4292G>A, p.Arg1431Gln (NM_001144769.5); c.3878G>A, p.Arg1293Gln (NM_001144770.2); c.4391G>A, p.Arg1464Gln (NM_001374722.1); c.3758G>A, p.Arg1253Gln (NM_001374729.1, NM_001374730.1, NM_001386100.1 and 1 more transcripts); c.4418G>A, p.Arg1473Gln (NM_001374734.1); c.2780G>A, p.Arg927Gln (NM_001723.7, NM_015548.5); short protein forms R1253Q, R1431Q, R1473Q, R1293Q, R1464Q, R927Q.
Identifiers: ClinVar variation 859471 (VCV000859471.9), dbSNP rs768643432, ClinGen allele CA3870913.